The following is an entry in ClinVar:

NM_001122630.2(CDKN1C):c.540C>A (p.Ala180=)

Gene: CDKN1C (cyclin dependent kinase inhibitor 1C; minus strand). Cytogenetic location: 11p15.4.
Variant type: single nucleotide variant.
Coding change: c.540C>A on transcript NM_001122630.2 (MANE Select); coding-DNA position 540, C replaced by A.
Protein change: p.Ala180=; no amino-acid change (alanine 180 retained).
Molecular consequence: synonymous variant. On other transcripts: intron variant (1).
Genome position (GRCh38, 1-based): chr11:2,884,917, G>T on the plus strand (C>A on the coding strand, the complement: CDKN1C is on the minus strand). VCF-style: chr11-2884917-G-T. GRCh37 (hg19) VCF-style: chr11-2906147-G-T.
Other names: c.573C>A, p.Ala191= (NM_000076.2, NM_001362474.2); c.540C>A, p.Ala180= (NM_001122631.2); c.255+285C>A (NM_001362475.2).
Identifiers: ClinVar variation 1137285 (VCV001137285.11), dbSNP rs1429391694, ClinGen allele CA472832521.

ClinVar aggregate classification (germline): Likely benign. Review status: criteria provided, single submitter (1 of 4 stars). 2 submissions from 2 submitters: Likely benign (1). 1 of the submissions does not count toward it. Last evaluated 2025-03-11.

Conditions:
Beckwith-Wiedemann syndrome (BWS). Also called: Exomphalos macroglossia gigantism syndrome; EMG SYNDROME. Identifiers: Orphanet 116, MedGen C0004903, MONDO:0007534, OMIM 130650.
CDKN1C-related disorder. Also called: CDKN1C-related condition.

Allele frequency attached by ClinVar (database versions not stated): gnomAD 0.00002; gnomAD exomes 0.00003.

Submissions (2):

Labcorp Genetics (formerly Invitae), Labcorp
Classification: Likely benign for Beckwith-Wiedemann syndrome. Last evaluated: 2025-03-11. Review status: criteria provided, single submitter. Criteria: Invitae Variant Classification Sherloc (09022015). Collection method: clinical testing. Allele origin: germline.

PreventionGenetics, part of Exact Sciences
Classification: Likely benign for CDKN1C-related condition. Last evaluated: 2022-03-11. Review status: no assertion criteria provided. Collection method: clinical testing. Allele origin: germline. Not counted in ClinVar's aggregate classification.
Comment: This variant is classified as likely benign based on ACMG/AMP sequence variant interpretation guidelines (Richards et al. 2015 PMID: 25741868, with internal and published modifications).